The following is an entry in ClinVar:

ClinVar aggregate classification (germline): Uncertain significance. Review status: criteria provided, multiple submitters, no conflicts (2 of 4 stars). 3 submissions from 3 submitters: Uncertain significance (3). Last evaluated 2023-05-04.

Conditions:
Classic or attenuated familial adenomatous polyposis. Identifiers: MedGen CN372698, MONDO:0021057.
Hereditary cancer-predisposing syndrome. Also called: Hereditary neoplastic syndrome; Tumor predisposition; Neoplastic Syndromes, Hereditary; Hereditary Cancer Syndrome. Identifiers: Orphanet 140162, MedGen C0027672, MeSH D009386, MONDO:0015356.
Familial adenomatous polyposis 1 (FAP1). Also called: FAMILIAL ADENOMATOUS POLYPOSIS 1, ATTENUATED; POLYPOSIS, ADENOMATOUS INTESTINAL. Identifiers: MedGen C2713442, MONDO:0021056, OMIM 175100. Disease mechanism: loss of function.

Allele frequency attached by ClinVar (database versions not stated): TOPMed below 0.00001; gnomAD 0.00001.
gnomAD v4.1: 1 of 1,614,024 alleles (0.000062%); highest among the groups gnomAD compares: Non-Finnish European, 0.000085%; no homozygotes.

Submissions (3):

All of Us Research Program, National Institutes of Health
Classification: Uncertain significance for Classic or attenuated familial adenomatous polyposis. Last evaluated: 2023-05-04. Review status: criteria provided, single submitter. Criteria: ACMG Guidelines, 2015. Collection method: clinical testing. Allele origin: germline. Inheritance: Autosomal dominant inheritance. Observed: 1 variant allele, 1 heterozygote.
Comment: This missense variant replaces histidine with tyrosine at codon 1329 of the APC protein. Computational prediction suggests that this variant may not impact protein structure and function (internally defined REVEL score threshold <= 0.5, PMID: 27666373). To our knowledge, functional studies have not been reported for this variant. This variant has not been reported in individuals affected with APC-related disorders in the literature. This variant has not been identified in the general population by the Genome Aggregation Database (gnomAD). The available evidence is insufficient to determine the role of this variant in disease conclusively. Therefore, this variant is classified as a Variant of Uncertain Significance.

This study involves interpretation of variants in research participants for the purpose of population health screening. Participant phenotype was not available at the time of variant classification. Additional details can be found in publication PMID: 35346344, PMCID: PMC8962531

Labcorp Genetics (formerly Invitae), Labcorp
Classification: Uncertain significance for Familial adenomatous polyposis 1. Last evaluated: 2021-09-01. Review status: criteria provided, single submitter. Criteria: Invitae Variant Classification Sherloc (09022015). Collection method: clinical testing. Allele origin: germline.
Comment: This sequence change replaces histidine with tyrosine at codon 1329 of the APC protein (p.His1329Tyr). The histidine residue is moderately conserved and there is a moderate physicochemical difference between histidine and tyrosine. This variant is not present in population databases (ExAC no frequency). This variant has not been reported in the literature in individuals affected with APC-related conditions. Algorithms developed to predict the effect of missense changes on protein structure and function (SIFT, PolyPhen-2, Align-GVGD) all suggest that this variant is likely to be tolerated. In summary, the available evidence is currently insufficient to determine the role of this variant in disease. Therefore, it has been classified as a Variant of Uncertain Significance.

Ambry Genetics
Classification: Uncertain significance for Hereditary cancer-predisposing syndrome. Last evaluated: 2020-03-20. Review status: criteria provided, single submitter. Criteria: Ambry Variant Classification Scheme 2023. Collection method: clinical testing. Allele origin: germline.
Comment: The p.H1329Y variant (also known as c.3985C>T), located in coding exon 15 of the APC gene, results from a C to T substitution at nucleotide position 3985. The histidine at codon 1329 is replaced by tyrosine, an amino acid with similar properties. This amino acid position is highly conserved in available vertebrate species. In addition, in silico predictors for this gene do not accurately predict pathogenicity. Since supporting evidence is limited at this time, the clinical significance of this alteration remains unclear.

NM_000038.6(APC):c.3985C>T (p.His1329Tyr)

Gene: APC (APC regulator of Wnt signaling pathway; plus strand). Cytogenetic location: 5q22.2.
Variant type: single nucleotide variant.
Coding change: c.3985C>T on transcript NM_000038.6 (MANE Select); coding-DNA position 3985, C replaced by T.
Protein change: p.His1329Tyr; replaces histidine 1329 with tyrosine.
Molecular consequence: missense variant.
Genome position (GRCh38, 1-based): chr5:112,839,579, C>T. VCF-style: chr5-112839579-C-T. GRCh37 (hg19) VCF-style: chr5-112175276-C-T.
Other names: c.3985C>T, p.His1329Tyr (NM_001127510.3, NM_001354895.2); c.3931C>T, p.His1311Tyr (NM_001127511.3); c.4039C>T, p.His1347Tyr (NM_001354896.2); c.4015C>T, p.His1339Tyr (NM_001354897.2); c.3910C>T, p.His1304Tyr (NM_001354898.2); c.3901C>T, p.His1301Tyr (NM_001354899.2); c.3862C>T, p.His1288Tyr (NM_001354900.2); c.3808C>T, p.His1270Tyr (NM_001354901.2); and 5 more; short protein forms H1046Y, H1304Y, H1339Y, H1301Y, H1203Y, H1228Y, H1238Y, H1288Y.
Identifiers: ClinVar variation 956416 (VCV000956416.11), dbSNP rs1385066822, ClinGen allele CA16030070.